The following is an entry in ClinVar:

NM_001042492.3(NF1):c.3598G>T (p.Val1200Leu)

Gene: NF1 (neurofibromin 1; plus strand). Cytogenetic location: 17q11.2.
Variant type: single nucleotide variant.
Coding change: c.3598G>T on transcript NM_001042492.3 (MANE Select); coding-DNA position 3598, G replaced by T.
Protein change: p.Val1200Leu; replaces valine 1200 with leucine.
Molecular consequence: missense variant.
Genome position (GRCh38, 1-based): chr17:31,233,103, G>T. VCF-style: chr17-31233103-G-T. GRCh37 (hg19) VCF-style: chr17-29560121-G-T.
Other names: c.3598G>T, p.Val1200Leu (NM_000267.4); short protein forms V1200L.
Identifiers: ClinVar variation 1005591 (VCV001005591.5), dbSNP rs1597720021, ClinGen allele CA398990250.
Genomic context (GRCh38, chr17:31,233,103, plus strand): 5'-ATGGAAGTTCTGACAAAAATCCTTCAACAAGGCACAGAATTTGACACACTTGCAGAAACA[G>T]TATTGGCTGATCGGTTTGAGAGATTGGTGGAACTGGTCACAATGATGGGTGATCAAGGAG-3'
Protein context (NP_001035957.1, residues 1190-1210): GTEFDTLAET[Val1200Leu]LADRFERLVE

ClinVar aggregate classification (germline): Uncertain significance (1 of 4 stars; one submission).

Conditions:
Neurofibromatosis, type 1 (NF1). Also called: NEUROFIBROMATOSIS, TYPE I, SOMATIC; Peripheral type neurofibromatosis; VON RECKLINGHAUSEN DISEASE; Neurofibromatosis, type I. Identifiers: Orphanet 636, MedGen C0027831, MONDO:0018975, OMIM 162200. Disease mechanism: loss of function.

Submission:

Labcorp Genetics (formerly Invitae), Labcorp
Classification: Uncertain significance for Neurofibromatosis, type 1. Last evaluated: 2020-05-15. Review status: criteria provided, single submitter. Criteria: Invitae Variant Classification Sherloc (09022015). Collection method: clinical testing. Allele origin: germline.
Comment: In summary, the available evidence is currently insufficient to determine the role of this variant in disease. Therefore, it has been classified as a Variant of Uncertain Significance. Algorithms developed to predict the effect of missense changes on protein structure and function (SIFT, PolyPhen-2, Align-GVGD) all suggest that this variant is likely to be tolerated, but these predictions have not been confirmed by published functional studies and their clinical significance is uncertain. This variant has not been reported in the literature in individuals with NF1-related conditions. This variant is not present in population databases (ExAC no frequency). This sequence change replaces valine with leucine at codon 1200 of the NF1 protein (p.Val1200Leu). The valine residue is moderately conserved and there is a small physicochemical difference between valine and leucine.